The following is an entry in ClinVar:

NM_201384.3(PLEC):c.8317G>A (p.Ala2773Thr)

Gene: PLEC (plectin; minus strand). Cytogenetic location: 8q24.3.
Variant type: single nucleotide variant.
Coding change: c.8317G>A on transcript NM_201384.3 (MANE Select); coding-DNA position 8317, G replaced by A.
Protein change: p.Ala2773Thr; replaces alanine 2773 with threonine.
Molecular consequence: missense variant.
Genome position (GRCh38, 1-based): chr8:143,921,504, C>T on the plus strand (G>A on the coding strand, the complement: PLEC is on the minus strand). VCF-style: chr8-143921504-C-T. GRCh37 (hg19) VCF-style: chr8-144995672-C-T.
Other names: c.8398G>A (NM_000445.3); c.8398G>A, p.Ala2800Thr (NM_000445.5); c.8275G>A, p.Ala2759Thr (NM_201378.4); c.8251G>A, p.Ala2751Thr (NM_201379.3); c.8728G>A, p.Ala2910Thr (NM_201380.4); c.8221G>A, p.Ala2741Thr (NM_201381.3); c.8317G>A, p.Ala2773Thr (NM_201382.4); c.8329G>A, p.Ala2777Thr (NM_201383.3); short protein forms A2759T, A2910T, A2741T, A2751T, A2777T, A2800T, A2773T.
Identifiers: ClinVar variation 567739 (VCV000567739.11), dbSNP rs200683827, ClinGen allele CA4925361.

ClinVar aggregate classification (germline): Uncertain significance. Review status: criteria provided, multiple submitters, no conflicts (2 of 4 stars). 4 submissions from 4 submitters: Uncertain significance (4). Last evaluated 2026-05-03.

Conditions:
PLEC-related disorder. Also called: PLEC-related disorders; PLEC-related condition.
Epidermolysis bullosa simplex 5C, with pyloric atresia (EBS5C). Also called: PLEC-Related Epidermolysis Bullosa with Pyloric Atresia; PLEC1-Related Epidermolysis Bullosa with Pyloric Atresia; Epidermolysis bullosa simplex with pyloric atresia. Identifiers: Orphanet 158684, MedGen C2677349, MONDO:0012807, OMIM 612138.
Epidermolysis bullosa simplex, Ogna type (EBS5A). Also called: Pidermolysis bullosa simplex 5A, Ogna type; EPIDERMOLYSIS BULLOSA SIMPLEX 5A, OGNA TYPE. Identifiers: Orphanet 79401, MedGen C0432317, MONDO:0007555, OMIM 131950.
Epidermolysis bullosa simplex 5B, with muscular dystrophy (EBS5B). Also called: Epidermolysis bullosa simplex with muscular dystrophy; EPIDERMOLYSIS BULLOSA SIMPLEX AND LIMB-GIRDLE MUSCULAR DYSTROPHY. Identifiers: Orphanet 257, MedGen C2931072, MONDO:0009181, OMIM 226670.
Epidermolysis bullosa simplex with nail dystrophy (EBS5D). Identifiers: MedGen C4225309, MONDO:0014661, OMIM 616487.
Autosomal recessive limb-girdle muscular dystrophy type 2Q (LGMDR17). Also called: MUSCULAR DYSTROPHY, LIMB-GIRDLE, AUTOSOMAL RECESSIVE 17. Identifiers: Orphanet 254361, MedGen C3150989, MONDO:0013390, OMIM 613723.
Inborn genetic diseases. Identifiers: MedGen C0950123, MeSH D030342.

Allele frequency attached by ClinVar (database versions not stated): gnomAD 0.00001 and 0.00002; gnomAD exomes 0.00001 and 0.00002; TOPMed 0.00001; ExAC 0.00002; ESP Exome Variant Server 0.00008; 1000 Genomes Project 30x 0.00016; 1000 Genomes Project 0.00020.
gnomAD v4.1: 32 of 1,612,922 alleles (0.002%); highest among the groups gnomAD compares: East Asian, 0.029%; no homozygotes.

Submissions (4):

PreventionGenetics, part of Exact Sciences
Classification: Uncertain significance for PLEC-related condition. Last evaluated: 2026-05-03. Review status: criteria provided, single submitter. Criteria: ACMG Guidelines, 2015. Collection method: clinical testing. Allele origin: germline.
Comment: The PLEC c.8398G>A variant is predicted to result in the amino acid substitution p.Ala2800Thr. To our knowledge, this variant has not been reported in the literature. This variant is reported in 0.00078% of alleles in individuals of European (Non-Finnish) descent in gnomAD. At this time, the clinical significance of this variant is uncertain due to the absence of conclusive functional and genetic evidence.

Revvity Omics, Revvity
Classification: Uncertain significance. Last evaluated: 2024-09-18. Review status: criteria provided, single submitter. Criteria: ACMG Guidelines, 2015. Collection method: clinical testing. Allele origin: germline.

Ambry Genetics
Classification: Uncertain significance for Inborn genetic diseases. Last evaluated: 2023-06-13. Review status: criteria provided, single submitter. Criteria: Ambry Variant Classification Scheme 2023. Collection method: clinical testing. Allele origin: germline.

Labcorp Genetics (formerly Invitae), Labcorp
Classification: Uncertain significance for Autosomal recessive limb-girdle muscular dystrophy type 2Q; Epidermolysis bullosa simplex, Ogna type; Epidermolysis bullosa simplex with nail dystrophy; Epidermolysis bullosa simplex 5C, with pyloric atresia; Epidermolysis bullosa simplex 5B, with muscular dystrophy. Last evaluated: 2022-07-19. Review status: criteria provided, single submitter. Criteria: Invitae Variant Classification Sherloc (09022015). Collection method: clinical testing. Allele origin: germline.
Comment: ClinVar contains an entry for this variant (Variation ID: 567739). In summary, the available evidence is currently insufficient to determine the role of this variant in disease. Therefore, it has been classified as a Variant of Uncertain Significance. Algorithms developed to predict the effect of missense changes on protein structure and function (SIFT, PolyPhen-2, Align-GVGD) all suggest that this variant is likely to be disruptive. This variant has not been reported in the literature in individuals affected with PLEC-related conditions. This variant is present in population databases (rs200683827, gnomAD 0.005%). This sequence change replaces alanine, which is neutral and non-polar, with threonine, which is neutral and polar, at codon 2800 of the PLEC protein (p.Ala2800Thr).